The following is an entry in ClinVar:

NM_006939.4(SOS2):c.2045C>G (p.Pro682Arg)

Gene: SOS2 (SOS Ras/Rho guanine nucleotide exchange factor 2; minus strand). Cytogenetic location: 14q21.3.
Variant type: single nucleotide variant.
Coding change: c.2045C>G on transcript NM_006939.4 (MANE Select); coding-DNA position 2045, C replaced by G.
Protein change: p.Pro682Arg; replaces proline 682 with arginine.
Molecular consequence: missense variant.
Genome position (GRCh38, 1-based): chr14:50,157,011, G>C on the plus strand (C>G on the coding strand, the complement: SOS2 is on the minus strand). VCF-style: chr14-50157011-G-C. GRCh37 (hg19) VCF-style: chr14-50623729-G-C.
Other names: c.1946C>G, p.Pro649Arg (NM_001411020.1); short protein forms P649R, P682R.
Identifiers: ClinVar variation 4709546 (VCV004709546.1).

ClinVar aggregate classification (germline): Uncertain significance (1 of 4 stars; one submission).

Conditions:
Noonan syndrome 9 (NS9). Identifiers: Orphanet 648, MedGen C4225282, MONDO:0014691, OMIM 616559.

Submission:

Labcorp Genetics (formerly Invitae), Labcorp
Classification: Uncertain significance for Noonan syndrome 9. Last evaluated: 2025-06-27. Review status: criteria provided, single submitter. Criteria: Invitae Variant Classification Sherloc (09022015). Collection method: clinical testing. Allele origin: germline.
Comment: This sequence change replaces proline, which is neutral and non-polar, with arginine, which is basic and polar, at codon 682 of the SOS2 protein (p.Pro682Arg). This variant is not present in population databases (gnomAD no frequency). This variant has not been reported in the literature in individuals affected with SOS2-related conditions. Invitae Evidence Modeling of protein sequence and biophysical properties (such as structural, functional, and spatial information, amino acid conservation, physicochemical variation, residue mobility, and thermodynamic stability) has been performed for this missense variant. However, the output from this modeling did not meet the statistical confidence thresholds required to predict the impact of this variant on SOS2 protein function. In summary, the available evidence is currently insufficient to determine the role of this variant in disease. Therefore, it has been classified as a Variant of Uncertain Significance.